The following is an entry in ClinVar:

NM_022168.4(IFIH1):c.652C>A (p.Pro218Thr)

Gene: IFIH1 (interferon induced with helicase C domain 1; minus strand). Cytogenetic location: 2q24.2.
Variant type: single nucleotide variant.
Coding change: c.652C>A on transcript NM_022168.4 (MANE Select); coding-DNA position 652, C replaced by A.
Protein change: p.Pro218Thr; replaces proline 218 with threonine.
Molecular consequence: missense variant.
Genome position (GRCh38, 1-based): chr2:162,306,826, G>T on the plus strand (C>A on the coding strand, the complement: IFIH1 is on the minus strand). VCF-style: chr2-162306826-G-T. GRCh37 (hg19) VCF-style: chr2-163163336-G-T.
Other names: short protein forms P218T.
Identifiers: ClinVar variation 1478739 (VCV001478739.8), dbSNP rs2105226887, ClinGen allele CA349008668.

ClinVar aggregate classification (germline): Uncertain significance (1 of 4 stars; one submission).

Conditions:
Aicardi-Goutieres syndrome 7 (AGS7). Identifiers: Orphanet 51, MedGen C3888244, MONDO:0014367, OMIM 615846.
Singleton-Merten syndrome 1 (SGMRT1). Also called: Widened medullary cavities of bone, aortic calcification, abnormal dentition, and muscular weakness; Syndrome of widened medullary cavities of the metacarpals and phalanges, aortic calcification and abnormal dentition. Identifiers: Orphanet 85191, MedGen C4225427, MONDO:0024535, OMIM 182250.

Submission:

Labcorp Genetics (formerly Invitae), Labcorp
Classification: Uncertain significance for Aicardi-Goutieres syndrome 7; Singleton-Merten syndrome 1. Last evaluated: 2021-03-20. Review status: criteria provided, single submitter. Criteria: Invitae Variant Classification Sherloc (09022015). Collection method: clinical testing. Allele origin: germline.
Comment: This sequence change replaces proline with threonine at codon 218 of the IFIH1 protein (p.Pro218Thr). The proline residue is moderately conserved and there is a small physicochemical difference between proline and threonine. This variant is not present in population databases (ExAC no frequency). This variant has not been reported in the literature in individuals with IFIH1-related conditions. Algorithms developed to predict the effect of missense changes on protein structure and function (SIFT, PolyPhen-2, Align-GVGD) all suggest that this variant is likely to be tolerated, but these predictions have not been confirmed by published functional studies and their clinical significance is uncertain. In summary, the available evidence is currently insufficient to determine the role of this variant in disease. Therefore, it has been classified as a Variant of Uncertain Significance.